The following is an entry in ClinVar:

ClinVar aggregate classification (germline): Uncertain significance. Review status: criteria provided, multiple submitters, no conflicts (2 of 4 stars). 3 submissions from 3 submitters: Uncertain significance (3). Last evaluated 2024-12-31.

Conditions:
Inborn genetic diseases. Identifiers: MedGen C0950123, MeSH D030342.
Epilepsy, familial focal, with variable foci 1 (FFEVF1). Also called: DEPDC5-Related Epilepsy. Identifiers: MedGen C4551983, MONDO:0024556, OMIM 604364.
Familial focal epilepsy with variable foci (FPEVF). Identifiers: Orphanet 98820, MedGen C1858477, MONDO:0020310.

Allele frequency attached by ClinVar (database versions not stated): gnomAD exomes below 0.00001.
gnomAD v4.1: 6 of 1,614,058 alleles (0.00037%); highest among the groups gnomAD compares: Non-Finnish European, 0.00051%; no homozygotes.

Submissions (3):

Ambry Genetics
Classification: Uncertain significance for Inborn genetic diseases. Last evaluated: 2024-12-31. Review status: criteria provided, single submitter. Criteria: Ambry Variant Classification Scheme 2023. Collection method: clinical testing. Allele origin: germline.

Labcorp Genetics (formerly Invitae), Labcorp
Classification: Uncertain significance for Familial focal epilepsy with variable foci. Last evaluated: 2024-02-18. Review status: criteria provided, single submitter. Criteria: Invitae Variant Classification Sherloc (09022015). Collection method: clinical testing. Allele origin: germline.
Comment: This sequence change replaces isoleucine, which is neutral and non-polar, with asparagine, which is neutral and polar, at codon 279 of the DEPDC5 protein (p.Ile279Asn). This variant is not present in population databases (gnomAD no frequency). This variant has not been reported in the literature in individuals affected with DEPDC5-related conditions. ClinVar contains an entry for this variant (Variation ID: 1031248). Experimental studies and prediction algorithms are not available or were not evaluated, and the functional significance of this variant is currently unknown. In summary, the available evidence is currently insufficient to determine the role of this variant in disease. Therefore, it has been classified as a Variant of Uncertain Significance.

Baylor Genetics
Classification: Uncertain significance for Epilepsy, familial focal, with variable foci 1. Last evaluated: 2019-02-27. Review status: criteria provided, single submitter. Criteria: ACMG Guidelines, 2015. Collection method: clinical testing. Allele origin: maternal. Affected: yes.
Comment: This variant was determined to be of uncertain significance according to ACMG Guidelines, 2015 [PMID:25741868].

NM_001242896.3(DEPDC5):c.836T>A (p.Ile279Asn)

Gene: DEPDC5 (DEP domain containing 5, GATOR1 subcomplex subunit; plus strand). Cytogenetic location: 22q12.2.
Variant type: single nucleotide variant.
Coding change: c.836T>A on transcript NM_001242896.3 (MANE Select); coding-DNA position 836, T replaced by A.
Protein change: p.Ile279Asn; replaces isoleucine 279 with asparagine.
Molecular consequence: missense variant. On other transcripts: non-coding transcript variant (5).
Genome position (GRCh38, 1-based): chr22:31,797,668, T>A. VCF-style: chr22-31797668-T-A. GRCh37 (hg19) VCF-style: chr22-32193654-T-A.
Other names: c.836T>A, p.Ile279Asn (NM_001007188.4, NM_001136029.4, NM_001242897.2 and 7 more transcripts); c.752T>A, p.Ile251Asn (NM_001369901.1, NM_001369902.1); short protein forms I251N, I279N.
Identifiers: ClinVar variation 1031248 (VCV001031248.4), dbSNP rs2086399384, ClinGen allele CA411290649.
Genomic context (GRCh38, chr22:31,797,668, plus strand): 5'-TGCAGAATGAGAGAAGAGAAGAATGGACTTCACTTCTCGTAACCATTAAAAAACTCTTCA[T>A]CCAGTATCCAGTGTTGGTGCGACTGGAACAGGCAGGTACTGCATTCATGTAATAGATGGT-3'
Protein context (NP_001229825.1, residues 269-289): SLLVTIKKLF[Ile279Asn]QYPVLVRLEQ